The following is an entry in ClinVar:

ClinVar aggregate classification (germline): Pathogenic (1 of 4 stars; one submission).

Conditions:
Familial thoracic aortic aneurysm and aortic dissection (TAAD). Also called: Thoracic aortic aneurysms and dissections. Identifiers: Orphanet 91387, MedGen C4707243, MONDO:0019625.
Marfan syndrome (MFS). Also called: MARFAN SYNDROME, TYPE I; Marfan syndrome type 1; Marfan's syndrome; Marfan syndrome, classic; FBN1-Related Marfan Syndrome. Identifiers: Orphanet 284963, Orphanet 558, MedGen C0024796, MONDO:0007947, OMIM 154700.

Submission:

Labcorp Genetics (formerly Invitae), Labcorp
Classification: Pathogenic for Marfan syndrome; Familial thoracic aortic aneurysm and aortic dissection. Last evaluated: 2023-11-03. Review status: criteria provided, single submitter. Criteria: Invitae Variant Classification Sherloc (09022015). Collection method: clinical testing. Allele origin: germline.
Comment: This sequence change replaces asparagine, which is neutral and polar, with threonine, which is neutral and polar, at codon 1665 of the FBN1 protein (p.Asn1665Thr). This variant is not present in population databases (gnomAD no frequency). This missense change has been observed in individual(s) with aortic dissection (Invitae). In at least one individual the variant was observed to be de novo. ClinVar contains an entry for this variant (Variation ID: 2029643). Advanced modeling of protein sequence and biophysical properties (such as structural, functional, and spatial information, amino acid conservation, physicochemical variation, residue mobility, and thermodynamic stability) performed at Invitae indicates that this missense variant is expected to disrupt FBN1 protein function with a positive predictive value of 95%. For these reasons, this variant has been classified as Pathogenic.

NM_000138.5(FBN1):c.4994A>C (p.Asn1665Thr)

Gene: FBN1 (fibrillin 1; minus strand). Cytogenetic location: 15q21.1.
Variant type: single nucleotide variant.
Coding change: c.4994A>C on transcript NM_000138.5 (MANE Select); coding-DNA position 4994, A replaced by C.
Protein change: p.Asn1665Thr; replaces asparagine 1665 with threonine.
Molecular consequence: missense variant.
Genome position (GRCh38, 1-based): chr15:48,463,970, T>G on the plus strand (A>C on the coding strand, the complement: FBN1 is on the minus strand). VCF-style: chr15-48463970-T-G. GRCh37 (hg19) VCF-style: chr15-48756167-T-G.
Other names: c.4994A>C, p.Asn1665Thr (NM_001406716.1); short protein forms N1665T.
Identifiers: ClinVar variation 2029643 (VCV002029643.4), dbSNP rs2505493402, ClinGen allele CA392350155.